The following is an entry in ClinVar:

NM_004260.4(RECQL4):c.3055+3G>A

Gene: RECQL4 (RecQ like helicase 4; minus strand). Cytogenetic location: 8q24.3.
Variant type: single nucleotide variant.
Coding change: c.3055+3G>A on transcript NM_004260.4 (MANE Select); 3 bases into the intron after coding-DNA position 3055, G replaced by A.
Molecular consequence: intron variant.
Genome position (GRCh38, 1-based): chr8:144,512,389, C>T on the plus strand (G>A on the coding strand, the complement: RECQL4 is on the minus strand). VCF-style: chr8-144512389-C-T. GRCh37 (hg19) VCF-style: chr8-145737772-C-T.
Other names: c.1984+3G>A (NM_001413035.1, NM_001413040.1, NM_001413021.1 and 4 more transcripts); c.2761+3G>A (NM_001413017.1); c.2959+3G>A (NM_001413020.1); c.1918+3G>A (NM_001413027.1, NM_001413030.1, NM_001413032.1); c.3025+3G>A (NM_001413039.1); c.2923+3G>A (NM_001413033.1); c.2857+3G>A (NM_001413018.1); c.3055+3G>A (NM_001413036.1); and 9 more.
Identifiers: ClinVar variation 2729863 (VCV002729863.3), dbSNP rs1827417304, ClinGen allele CA1826365865.

ClinVar aggregate classification (germline): Uncertain significance (1 of 4 stars; one submission).

Conditions:
Baller-Gerold syndrome (BGS). Also called: CRANIOSYNOSTOSIS WITH RADIAL DEFECTS. Identifiers: Orphanet 1225, MedGen C0265308, MONDO:0009039, OMIM 218600.

Allele frequency attached by ClinVar (database versions not stated): TOPMed below 0.00001.
gnomAD v4.1: 2 of 1,607,262 alleles (0.00012%); highest among the groups gnomAD compares: South Asian, 0.0022%; no homozygotes.

Submission:

Labcorp Genetics (formerly Invitae), Labcorp
Classification: Uncertain significance for Baller-Gerold syndrome. Last evaluated: 2023-09-30. Review status: criteria provided, single submitter. Criteria: Invitae Variant Classification Sherloc (09022015). Collection method: clinical testing. Allele origin: germline.
Comment: In summary, the available evidence is currently insufficient to determine the role of this variant in disease. Therefore, it has been classified as a Variant of Uncertain Significance. Variants that disrupt the consensus splice site are a relatively common cause of aberrant splicing (PMID: 17576681, 9536098). Algorithms developed to predict the effect of sequence changes on RNA splicing suggest that this variant is not likely to affect RNA splicing. This variant has not been reported in the literature in individuals affected with RECQL4-related conditions. This variant is not present in population databases (gnomAD no frequency). This sequence change falls in intron 17 of the RECQL4 gene. It does not directly change the encoded amino acid sequence of the RECQL4 protein. It affects a nucleotide within the consensus splice site.

Literature cited by the submitters: PubMed 17576681; PubMed 9536098.